The following is an entry in ClinVar:

ClinVar aggregate classification (germline): Uncertain significance (1 of 4 stars; one submission).

Conditions:
Cardiovascular phenotype. Identifiers: MedGen CN230736.

Submission:

Ambry Genetics
Classification: Uncertain significance for Cardiovascular phenotype. Last evaluated: 2024-10-14. Review status: criteria provided, single submitter. Criteria: Ambry Variant Classification Scheme 2023. Collection method: clinical testing. Allele origin: germline.
Comment: The p.P33S variant (also known as c.97C>T), located in coding exon 1 of the PKP2 gene, results from a C to T substitution at nucleotide position 97. The proline at codon 33 is replaced by serine, an amino acid with similar properties. This amino acid position is conserved. In addition, the in silico prediction for this alteration is inconclusive. Based on the available evidence, the clinical significance of this variant remains unclear.

NM_001005242.3(PKP2):c.97C>T (p.Pro33Ser)

Gene: PKP2 (plakophilin 2; minus strand). Cytogenetic location: 12p11.21.
Variant type: single nucleotide variant.
Coding change: c.97C>T on transcript NM_001005242.3 (MANE Select); coding-DNA position 97, C replaced by T.
Protein change: p.Pro33Ser; replaces proline 33 with serine.
Molecular consequence: missense variant. On other transcripts: 5 prime UTR variant (4).
Genome position (GRCh38, 1-based): chr12:32,896,635, G>A on the plus strand (C>T on the coding strand, the complement: PKP2 is on the minus strand). VCF-style: chr12-32896635-G-A. GRCh37 (hg19) VCF-style: chr12-33049569-G-A.
Other names: c.97C>T, p.Pro33Ser (NM_001407155.1, NM_001407156.1, NM_001407157.1 and 2 more transcripts); c.-730C>T (NM_001407158.1, NM_001407162.1); c.-494C>T (NM_001407159.1, NM_001407160.1); short protein forms P33S.
Identifiers: ClinVar variation 3419524 (VCV003419524.1).
Genomic context (GRCh38, chr12:32,896,635, plus strand): 5'-TCTTGACTGTCTGGCCGCCGCGGCCGCTGCTCCCCGCCAGCTTCAGCTTGGCCTCGGAGG[G>A]CAGCGCCAGGCTGGAGCTGTCCAGTTGTCCCAGGATCTGCTGGCCCAGGACGGTCCGGAT-3'
Protein context (NP_001005242.2, residues 23-43): GQLDSSSLAL[Pro33Ser]SEAKLKLAGS